The following is an entry in ClinVar:

NM_001386298.1(CIC):c.5421dup (p.Lys1808fs)

Gene: CIC (capicua transcriptional repressor; plus strand). Cytogenetic location: 19q13.2.
Variant type: Duplication.
Coding change: c.5421dup on transcript NM_001386298.1 (MANE Select); coding-DNA position 5421, one base duplicated (C; older notation c.5421dupC).
Protein change: p.Lys1808fs; shifts the reading frame from lysine 1808.
Molecular consequence: frameshift variant.
Genome position (GRCh38, 1-based): chr19:42,291,462, C duplicated; the last of 6 consecutive C bases (chr19:42,291,457-42,291,462); duplicating any one gives the same sequence. VCF-style (leftmost placement, unchanged base first): chr19-42291456-A-AC. GRCh37 (hg19) VCF-style: chr19-42795608-A-AC.
Other names: c.5421dup, p.Lys1808fs (NM_001304815.2, NM_001379480.1, NM_001379482.1); c.2694dup, p.Lys899fs (NM_001379484.1, NM_001379485.1, NM_015125.5); c.2694dupC (NM_015125.3); c.2694dup (NM_015125.3); short protein forms K899fs, K1808fs.
Identifiers: ClinVar variation 422592 (VCV000422592.3), dbSNP rs1555770200, ClinGen allele CA16620860.
Genomic context (GRCh38, chr19:42,291,456, plus strand): 5'-CCTGGCTGCCACTGCACCCACTCCTGGCATCCCCATCCTGCAGTCTGTACCCTCCGCCCC[A>AC]CCCCCCAAAGGTGAGACCTGGGCCGGGCAGCACTAGGGGAGGGGCCATAGTCCTGTTTGG-3'

ClinVar aggregate classification (germline): Pathogenic (1 of 4 stars; one submission).

Submission:

GeneDx
Classification: Pathogenic. Last evaluated: 2025-05-08. Review status: criteria provided, single submitter. Criteria: GeneDx Variant Classification Process June 2021. Collection method: clinical testing. Allele origin: germline. Affected: yes.
Comment: Frameshift variant predicted to result in protein truncation or nonsense mediated decay in a gene for which loss of function is a known mechanism of disease; Not observed at significant frequency in large population cohorts (gnomAD); This variant is associated with the following publications: (PMID: Kishnani2021[CaseReport])